The following is an entry in ClinVar:

ClinVar aggregate classification (germline): Likely pathogenic (1 of 4 stars; one submission).

Conditions:
Ehlers-Danlos syndrome, type 4 (EDSVASC). Also called: Ehlers-Danlos Syndrome Type IV; Ehlers-Danlos syndrome vascular type; Ehlers Danlos syndrome, ecchymotic type; Ehlers Danlos syndrome, arterial type; Ehlers Danlos syndrome, Sack-Barabas type. Identifiers: Orphanet 286, MedGen C0268338, MONDO:0017314, OMIM 130050.

Submission:

Labcorp Genetics (formerly Invitae), Labcorp
Classification: Likely pathogenic for Ehlers-Danlos syndrome, type 4. Last evaluated: 2024-03-06. Review status: criteria provided, single submitter. Criteria: Invitae Variant Classification Sherloc (09022015). Collection method: clinical testing. Allele origin: germline.
Comment: This sequence change replaces glycine, which is neutral and non-polar, with aspartic acid, which is acidic and polar, at codon 474 of the COL3A1 protein (p.Gly474Asp). This variant is not present in population databases (gnomAD no frequency). This variant has not been reported in the literature in individuals affected with COL3A1-related conditions. Advanced modeling of protein sequence and biophysical properties (such as structural, functional, and spatial information, amino acid conservation, physicochemical variation, residue mobility, and thermodynamic stability) performed at Invitae indicates that this missense variant is expected to disrupt COL3A1 protein function with a positive predictive value of 95%. This variant disrupts the triple helix domain of COL3A1. Glycine residues within the Gly-Xaa-Yaa repeats of the triple helix domain are required for the structure and stability of fibrillar collagens (PMID: 7695699, 8218237, 19344236). In COL3A1, variants that affect these glycine residues are significantly enriched in individuals with disease (PMID: 24922459, 25758994) compared to the general population (ExAC). In summary, the currently available evidence indicates that the variant is pathogenic, but additional data are needed to prove that conclusively. Therefore, this variant has been classified as Likely Pathogenic.

Literature cited by the submitters: PubMed 7695699; PubMed 8218237; PubMed 19344236; PubMed 24922459; PubMed 25758994.

NM_000090.4(COL3A1):c.1421G>A (p.Gly474Asp)

Gene: COL3A1 (collagen type III alpha 1 chain; plus strand). Cytogenetic location: 2q32.2.
Variant type: single nucleotide variant.
Coding change: c.1421G>A on transcript NM_000090.4 (MANE Select); coding-DNA position 1421, G replaced by A.
Protein change: p.Gly474Asp; replaces glycine 474 with aspartic acid.
Molecular consequence: missense variant.
Genome position (GRCh38, 1-based): chr2:188,994,797, G>A. VCF-style: chr2-188994797-G-A. GRCh37 (hg19) VCF-style: chr2-189859523-G-A.
Other names: short protein forms G474D.
Identifiers: ClinVar variation 2751919 (VCV002751919.3), dbSNP rs1553507991, ClinGen allele CA349851886.
Genomic context (GRCh38, chr2:188,994,797, plus strand): 5'-TTCCAGGTGTTCCAGGAGCTAAAGGCGAAGATGGCAAGGATGGATCACCTGGAGAACCTG[G>A]TGCAAATGGGCTTCCAGGAGCTGCAGGAGAAAGGGTACGTTTTCCATGGGGCATCTAAAA-3'
Protein context (NP_000081.2, residues 464-484): DGKDGSPGEP[Gly474Asp]ANGLPGAAGE